The following is an entry in ClinVar:

NM_001167.4(XIAP):c.1207A>G (p.Asn403Asp)

Gene: XIAP (X-linked inhibitor of apoptosis; plus strand). Cytogenetic location: Xq25.
Variant type: single nucleotide variant.
Coding change: c.1207A>G on transcript NM_001167.4 (MANE Select); coding-DNA position 1207, A replaced by G.
Protein change: p.Asn403Asp; replaces asparagine 403 with aspartic acid.
Molecular consequence: missense variant. On other transcripts: non-coding transcript variant (2).
Genome position (GRCh38, 1-based): chrX:123,900,600, A>G. VCF-style: chrX-123900600-A-G. GRCh37 (hg19) VCF-style: chrX-123034450-A-G.
Other names: c.1207A>G, p.Asn403Asp (NM_001204401.2, NM_001378590.1, NM_001378591.1 and 1 more transcripts); short protein forms N403D.
Identifiers: ClinVar variation 2975529 (VCV002975529.3), dbSNP rs764816401, ClinGen allele CA10508159.

ClinVar aggregate classification (germline): Uncertain significance (1 of 4 stars; one submission).

Conditions:
X-linked lymphoproliferative disease due to XIAP deficiency. Also called: XIAP-Related Lymphoproliferative Disease, X-Linked; XIAP DEFICIENCY. Identifiers: Orphanet 2442, Orphanet 538934, MedGen C1845076, MONDO:0010385, OMIM 300635.

Allele frequency attached by ClinVar (database versions not stated): ExAC 0.00001; gnomAD 0.00001; gnomAD exomes 0.00001.
gnomAD v4.1: 5 of 1,209,686 alleles (0.00041%); highest among the groups gnomAD compares: Non-Finnish European, 0.00045%; no homozygotes.

Submission:

Labcorp Genetics (formerly Invitae), Labcorp
Classification: Uncertain significance for X-linked lymphoproliferative disease due to XIAP deficiency. Last evaluated: 2024-11-27. Review status: criteria provided, single submitter. Criteria: Invitae Variant Classification Sherloc (09022015). Collection method: clinical testing. Allele origin: germline.
Comment: This sequence change replaces asparagine, which is neutral and polar, with aspartic acid, which is acidic and polar, at codon 403 of the XIAP protein (p.Asn403Asp). This variant is present in population databases (rs764816401, gnomAD 0.004%), including at least one homozygous and/or hemizygous individual. This variant has not been reported in the literature in individuals affected with XIAP-related conditions. ClinVar contains an entry for this variant (Variation ID: 2975529). Invitae Evidence Modeling of protein sequence and biophysical properties (such as structural, functional, and spatial information, amino acid conservation, physicochemical variation, residue mobility, and thermodynamic stability) indicates that this missense variant is not expected to disrupt XIAP protein function with a negative predictive value of 80%. In summary, the available evidence is currently insufficient to determine the role of this variant in disease. Therefore, it has been classified as a Variant of Uncertain Significance.